The following is an entry in ClinVar:

NM_014639.4(SKIC3):c.1969A>G (p.Met657Val)

Gene: SKIC3 (SKI3 subunit of superkiller complex; minus strand). Cytogenetic location: 5q15.
Variant type: single nucleotide variant.
Coding change: c.1969A>G on transcript NM_014639.4 (MANE Select); coding-DNA position 1969, A replaced by G.
Protein change: p.Met657Val; replaces methionine 657 with valine.
Molecular consequence: missense variant.
Genome position (GRCh38, 1-based): chr5:95,522,096, T>C on the plus strand (A>G on the coding strand, the complement: SKIC3 is on the minus strand). VCF-style: chr5-95522096-T-C. GRCh37 (hg19) VCF-style: chr5-94857800-T-C.
Other names: short protein forms M657V.
Identifiers: ClinVar variation 1383922 (VCV001383922.6), dbSNP rs982440471, ClinGen allele CA122859310.

ClinVar aggregate classification (germline): Uncertain significance (1 of 4 stars; one submission).

Allele frequency attached by ClinVar (database versions not stated): gnomAD exomes below 0.00001; TOPMed below 0.00001.
gnomAD v4.1: 5 of 1,613,838 alleles (0.00031%); highest among the groups gnomAD compares: African/African-American, 0.0013%; no homozygotes.

Submission:

Labcorp Genetics (formerly Invitae), Labcorp
Classification: Uncertain significance. Last evaluated: 2023-11-28. Review status: criteria provided, single submitter. Criteria: Invitae Variant Classification Sherloc (09022015). Collection method: clinical testing. Allele origin: germline.
Comment: This sequence change replaces methionine, which is neutral and non-polar, with valine, which is neutral and non-polar, at codon 657 of the TTC37 protein (p.Met657Val). This variant is present in population databases (no rsID available, gnomAD 0.007%). This variant has not been reported in the literature in individuals affected with TTC37-related conditions. ClinVar contains an entry for this variant (Variation ID: 1383922). Algorithms developed to predict the effect of missense changes on protein structure and function output the following: SIFT: "Not Available"; PolyPhen-2: "Benign"; Align-GVGD: "Not Available". The valine amino acid residue is found in multiple mammalian species, which suggests that this missense change does not adversely affect protein function. In summary, the available evidence is currently insufficient to determine the role of this variant in disease. Therefore, it has been classified as a Variant of Uncertain Significance.